The following is an entry in ClinVar:

ClinVar aggregate classification (germline): Uncertain significance. Review status: criteria provided, multiple submitters, no conflicts (2 of 4 stars). 2 submissions from 2 submitters: Uncertain significance (2). Last evaluated 2025-05-16.

Conditions:
Colorectal cancer, hereditary nonpolyposis, type 7. Identifiers: Orphanet 144, MedGen C1858380, MONDO:0013725, OMIM 614385.

Allele frequency attached by ClinVar (database versions not stated): gnomAD exomes below 0.00001.

Submissions (2):

Ambry Genetics
Classification: Uncertain significance. Last evaluated: 2025-05-16. Review status: criteria provided, single submitter. Criteria: Ambry Variant Classification Scheme 2023. Collection method: clinical testing. Allele origin: germline.
Comment: The p.M1400T variant (also known as c.4199T>C), located in coding exon 11 of the MLH3 gene, results from a T to C substitution at nucleotide position 4199. The methionine at codon 1400 is replaced by threonine, an amino acid with similar properties. This amino acid position is conserved. In addition, the in silico prediction for this alteration is inconclusive. Based on the available evidence, the clinical significance of this variant remains unclear.

Labcorp Genetics (formerly Invitae), Labcorp
Classification: Uncertain significance for Colorectal cancer, hereditary nonpolyposis, type 7. Last evaluated: 2022-11-02. Review status: criteria provided, single submitter. Criteria: Invitae Variant Classification Sherloc (09022015). Collection method: clinical testing. Allele origin: germline.
Comment: This sequence change replaces methionine, which is neutral and non-polar, with threonine, which is neutral and polar, at codon 1400 of the MLH3 protein (p.Met1400Thr). This variant is not present in population databases (gnomAD no frequency). This variant has not been reported in the literature in individuals affected with MLH3-related conditions. Algorithms developed to predict the effect of missense changes on protein structure and function (SIFT, PolyPhen-2, Align-GVGD) all suggest that this variant is likely to be disruptive. In summary, the available evidence is currently insufficient to determine the role of this variant in disease. Therefore, it has been classified as a Variant of Uncertain Significance.

NM_001040108.2(MLH3):c.4199T>C (p.Met1400Thr)

Gene: MLH3 (mutL homolog 3; minus strand). Cytogenetic location: 14q24.3.
Variant type: single nucleotide variant.
Coding change: c.4199T>C on transcript NM_001040108.2 (MANE Select); coding-DNA position 4199, T replaced by C.
Protein change: p.Met1400Thr; replaces methionine 1400 with threonine.
Molecular consequence: missense variant.
Genome position (GRCh38, 1-based): chr14:75,018,872, A>G on the plus strand (T>C on the coding strand, the complement: MLH3 is on the minus strand). VCF-style: chr14-75018872-A-G. GRCh37 (hg19) VCF-style: chr14-75485575-A-G.
Other names: c.4127T>C, p.Met1376Thr (NM_014381.3); short protein forms M1376T, M1400T.
Identifiers: ClinVar variation 2811537 (VCV002811537.4), dbSNP rs2503044046, ClinGen allele CA390418820.